The following is an entry in ClinVar:

ClinVar aggregate classification (germline): Likely benign. Review status: criteria provided, multiple submitters, no conflicts (2 of 4 stars). 5 submissions from 5 submitters: Likely benign (5). Last evaluated 2026-02-02.

Conditions:
Hereditary sensory neuropathy-deafness-dementia syndrome. Also called: NEUROPATHY, HEREDITARY SENSORY, WITH HEARING LOSS AND DEMENTIA; HSN IE; Hereditary sensory neuropathy type IE; Hereditary Sensory and Autonomic Neuropathy Type 1E (HSAN1E). Identifiers: Orphanet 456318, MedGen C3279885, MONDO:0013584, OMIM 614116.
DNMT1-related disorder. Also called: DNMT1-related condition. Identifiers: MedGen CN381527.

Allele frequency attached by ClinVar (database versions not stated): gnomAD exomes 0.00003; TOPMed 0.00003; gnomAD 0.00005; ExAC 0.00007; ESP Exome Variant Server 0.00015.
gnomAD v4.1: 45 of 1,613,844 alleles (0.0028%); highest among the groups gnomAD compares: South Asian, 0.019%; no homozygotes.

Submissions (5):

PreventionGenetics, part of Exact Sciences
Classification: Likely benign for DNMT1-related condition. Last evaluated: 2026-02-02. Review status: criteria provided, single submitter. Criteria: ACMG Guidelines, 2015. Collection method: clinical testing. Allele origin: germline.
Comment: This variant is classified as likely benign based on ACMG/AMP sequence variant interpretation guidelines (Richards et al. 2015 PMID: 25741868, with internal and published modifications).

Labcorp Genetics (formerly Invitae), Labcorp
Classification: Likely benign for Hereditary sensory neuropathy-deafness-dementia syndrome. Last evaluated: 2025-02-12. Review status: criteria provided, single submitter. Criteria: Invitae Variant Classification Sherloc (09022015). Collection method: clinical testing. Allele origin: germline.

Blueprint Genetics
Classification: Likely benign. Last evaluated: 2024-02-02. Review status: criteria provided, single submitter. Criteria: ACMG Guidelines, 2015. Collection method: clinical testing. Allele origin: germline.

ARUP Laboratories, Molecular Genetics and Genomics, ARUP Laboratories
Classification: Likely benign. Last evaluated: 2018-01-11. Review status: criteria provided, single submitter. Criteria: ARUP Molecular Germline Variant Investigation Process. Collection method: clinical testing. Allele origin: germline.
Comment: The p.Thr756Thr variant (rs374841430) does not alter the amino acid sequence of the DNMT1 protein and computational splice site prediction algorithms do not predict a change in the nearest splice site or creation of a cryptic splice site. This variant has not been reported in association with hearing loss in medical literature or in gene specific variation databases. This variant is listed in the Genome Aggregation Database (gnomAD) with a frequency of 0.02 percent in the East Asian population (identified on 4 out of18, 870 chromosomes). Based on these observations, the p.Thr756Thr variant is likely to be benign.

Breakthrough Genomics
Classification: Likely benign. Review status: criteria provided, single submitter. Criteria: ACMG Guidelines, 2015. Collection method: not provided. Allele origin: germline. Inheritance: Autosomal dominant inheritance. Affected: yes.

NM_001130823.3(DNMT1):c.2268T>C (p.Thr756=)

Gene: DNMT1 (DNA methyltransferase 1; minus strand). Cytogenetic location: 19p13.2.
Variant type: single nucleotide variant.
Coding change: c.2268T>C on transcript NM_001130823.3 (MANE Select); coding-DNA position 2268, T replaced by C.
Protein change: p.Thr756=; no amino-acid change (threonine 756 retained).
Molecular consequence: synonymous variant.
Genome position (GRCh38, 1-based): chr19:10,149,966, A>G on the plus strand (T>C on the coding strand, the complement: DNMT1 is on the minus strand). VCF-style: chr19-10149966-A-G. GRCh37 (hg19) VCF-style: chr19-10260642-A-G.
Other names: c.2220T>C, p.Thr740= (NM_001318730.2, NM_001379.4); c.1905T>C, p.Thr635= (NM_001318731.2); c.2268T>C (NM_001130823.2, LRG_362t1).
Identifiers: ClinVar variation 539617 (VCV000539617.21), dbSNP rs374841430, ClinGen allele CA9188089.